The following is an entry in ClinVar:

NM_001375524.1(TRRAP):c.3702G>C (p.Gln1234His)

Gene: TRRAP (transformation/transcription domain associated protein; plus strand). Cytogenetic location: 7q22.1.
Variant type: single nucleotide variant.
Coding change: c.3702G>C on transcript NM_001375524.1 (MANE Select); coding-DNA position 3702, G replaced by C.
Protein change: p.Gln1234His; replaces glutamine 1234 with histidine.
Molecular consequence: missense variant.
Genome position (GRCh38, 1-based): chr7:98,931,515, G>C. VCF-style: chr7-98931515-G-C. GRCh37 (hg19) VCF-style: chr7-98529138-G-C.
Other names: c.3702G>C, p.Gln1234His (NM_001244580.2, NM_003496.4); short protein forms Q1234H.
Identifiers: ClinVar variation 2579629 (VCV002579629.1), dbSNP rs2484782994, ClinGen allele CA368301926.

ClinVar aggregate classification (germline): Uncertain significance (1 of 4 stars; one submission).

Submission:

GeneDx
Classification: Uncertain significance. Last evaluated: 2023-03-10. Review status: criteria provided, single submitter. Criteria: GeneDx Variant Classification Process June 2021. Collection method: clinical testing. Allele origin: germline. Affected: yes.
Comment: Not observed at significant frequency in large population cohorts (gnomAD); In silico analysis supports that this missense variant has a deleterious effect on protein structure/function; Has not been previously published as pathogenic or benign to our knowledge